The following is an entry in ClinVar:

ClinVar aggregate classification (germline): Uncertain significance (1 of 4 stars; one submission).

gnomAD v4.1: 1 of 1,186,598 alleles (0.000084%); highest among the groups gnomAD compares: African/African-American, 0.0017%; no homozygotes.

Submissions (2):

GeneDx
Classification: Uncertain significance. Last evaluated: 2026-07-20. Review status: criteria provided, single submitter. Criteria: GeneDx Variant Classification Process June 2021. Collection method: clinical testing. Allele origin: germline.
Comment: Not observed at significant frequency in large population cohorts (gnomAD); In silico analysis suggests that this missense variant does not alter protein structure/function; Has not been previously published as pathogenic or benign to our knowledge

Dr. Peter K. Rogan Lab, Western University
No classification provided (evidence only). Condition: Thyroid cancer, nonmedullary, 1. Review status: no classification provided. Collection method: in vitro. Allele origin: not applicable. Functional consequence: retained intron. Not counted in ClinVar's aggregate classification.

NM_001379110.1(SLC9A6):c.619G>T (p.Val207Leu)

Gene: SLC9A6 (solute carrier family 9 member A6; plus strand). Cytogenetic location: Xq26.3.
Variant type: single nucleotide variant.
Coding change: c.619G>T on transcript NM_001379110.1 (MANE Select); coding-DNA position 619, G replaced by T.
Protein change: p.Val207Leu; replaces valine 207 with leucine.
Molecular consequence: missense variant.
Genome position (GRCh38, 1-based): chrX:135,998,950, G>T. VCF-style: chrX-135998950-G-T. GRCh37 (hg19) VCF-style: chrX-135081109-G-T.
Other names: NC_000023.10:g.135081109G>T; c.775G>T, p.Val259Leu (NM_001042537.2); c.619G>T, p.Val207Leu (NM_001177651.2, NM_001400909.1, NM_001400910.1 and 2 more transcripts); c.523G>T, p.Val175Leu (NM_001330652.2, NM_001400913.1); c.679G>T, p.Val227Leu (NM_006359.3); short protein forms V175L, V207L, V227L, V259L.
Identifiers: ClinVar variation 3363487 (VCV003363487.3).
Genomic context (GRCh38, chrX:135,998,950, plus strand): 5'-GTAACGGGACAACTTGCAGGAGATTTTTACTTTACAGATTGCCTACTGTTTGGTGCCATT[G>T]TATCAGCAACTGATCCAGGTATGTTTTATATGAGTGGAGTTTACATACTTGAGGTGCATT-3'
Protein context (NP_001366039.1, residues 197-217): FTDCLLFGAI[Val207Leu]SATDPVTVLA